The following is an entry in ClinVar:

ClinVar aggregate classification (germline): Uncertain significance. Review status: criteria provided, multiple submitters, no conflicts (2 of 4 stars). 2 submissions from 2 submitters: Uncertain significance (2). Last evaluated 2025-06-09.

Allele frequency attached by ClinVar (database versions not stated): gnomAD 0.00003 and 0.00004; TOPMed 0.00005; gnomAD exomes 0.00002 and 0.00001; ExAC 0.00002.
gnomAD v4.1: 20 of 1,613,872 alleles (0.0012%); highest among the groups gnomAD compares: African/African-American, 0.0053%; no homozygotes.

Submissions (2):

Ambry Genetics
Classification: Uncertain significance. Last evaluated: 2025-06-09. Review status: criteria provided, single submitter. Criteria: Ambry Variant Classification Scheme 2023. Collection method: clinical testing. Allele origin: germline.

Labcorp Genetics (formerly Invitae), Labcorp
Classification: Uncertain significance. Last evaluated: 2024-11-07. Review status: criteria provided, single submitter. Criteria: Invitae Variant Classification Sherloc (09022015). Collection method: clinical testing. Allele origin: germline.
Comment: This sequence change replaces arginine, which is basic and polar, with glutamine, which is neutral and polar, at codon 1746 of the CCDC88A protein (p.Arg1746Gln). This variant is present in population databases (rs751317578, gnomAD 0.01%). This variant has not been reported in the literature in individuals affected with CCDC88A-related conditions. ClinVar contains an entry for this variant (Variation ID: 1434348). An algorithm developed to predict the effect of missense changes on protein structure and function (PolyPhen-2) suggests that this variant¬†is likely to be tolerated. In summary, the available evidence is currently insufficient to determine the role of this variant in disease. Therefore, it has been classified as a Variant of Uncertain Significance.

NM_001365480.1(CCDC88A):c.5240G>A (p.Arg1747Gln)

Gene: CCDC88A (coiled-coil domain containing 88A; minus strand). Cytogenetic location: 2p16.1.
Variant type: single nucleotide variant.
Coding change: c.5240G>A on transcript NM_001365480.1 (MANE Select); coding-DNA position 5240, G replaced by A.
Protein change: p.Arg1747Gln; replaces arginine 1747 with glutamine.
Molecular consequence: missense variant. On other transcripts: intron variant (1).
Genome position (GRCh38, 1-based): chr2:55,295,908, C>T on the plus strand (G>A on the coding strand, the complement: CCDC88A is on the minus strand). VCF-style: chr2-55295908-C-T. GRCh37 (hg19) VCF-style: chr2-55523044-C-T.
Other names: c.5237G>A, p.Arg1746Gln (NM_001135597.2); c.5156G>A, p.Arg1719Gln (NM_018084.5); c.5195+42G>A (NM_001254943.2); c.5237G>A (NM_001135597.1); short protein forms R1719Q, R1746Q, R1747Q.
Identifiers: ClinVar variation 1434348 (VCV001434348.7), dbSNP rs751317578, ClinGen allele CA1665363.